The following is an entry in ClinVar:

ClinVar aggregate classification (germline): Uncertain significance. Review status: criteria provided, multiple submitters, no conflicts (2 of 4 stars). 7 submissions from 6 submitters: Uncertain significance (6). 1 of the submissions does not count toward it. Last evaluated 2026-06-29.

Conditions:
Seckel syndrome 4 (SCKL4). Identifiers: Orphanet 808, MedGen C3888212, MONDO:0013358, OMIM 613676.
Inborn genetic diseases. Identifiers: MedGen C0950123, MeSH D030342.
CPAP-related condition.
Microcephaly 6, primary, autosomal recessive. Identifiers: Orphanet 2512, MedGen C1842109, MONDO:0012029, OMIM 608393.
Meniere disease. Also called: Ménière's disease. Identifiers: MedGen C0025281, MONDO:0007972, OMIM 156000.

Allele frequency attached by ClinVar (database versions not stated): gnomAD exomes 0.00007 and 0.00015; ExAC 0.00008; gnomAD 0.00008; TOPMed 0.00010.
gnomAD v4.1: 222 of 1,613,994 alleles (0.014%); highest among the groups gnomAD compares: Non-Finnish European, 0.018%; no homozygotes.

Submissions (7):

PreventionGenetics, part of Exact Sciences
Classification: Uncertain significance for CPAP-related condition. Last evaluated: 2026-06-29. Review status: criteria provided, single submitter. Criteria: ACMG Guidelines, 2015. Collection method: clinical testing. Allele origin: germline.
Comment: The CPAP c.659C>T variant is predicted to result in the amino acid substitution p.Ser220Leu. To our knowledge, this variant has not been reported in the literature. This variant is reported in 0.016% of alleles in individuals of African descent in gnomAD and is consistently classified as uncertain in ClinVar (ClinVar ID: 311628). At this time, the clinical significance of this variant is uncertain due to the absence of conclusive functional and genetic evidence.

Labcorp Genetics (formerly Invitae), Labcorp
Classification: Uncertain significance. Last evaluated: 2025-05-05. Review status: criteria provided, single submitter. Criteria: Invitae Variant Classification Sherloc (09022015). Collection method: clinical testing. Allele origin: germline.
Comment: This sequence change replaces serine, which is neutral and polar, with leucine, which is neutral and non-polar, at codon 220 of the CENPJ protein (p.Ser220Leu). This variant is present in population databases (rs201219786, gnomAD 0.02%). This variant has not been reported in the literature in individuals affected with CENPJ-related conditions. ClinVar contains an entry for this variant (Variation ID: 311628). Invitae Evidence Modeling of protein sequence and biophysical properties (such as structural, functional, and spatial information, amino acid conservation, physicochemical variation, residue mobility, and thermodynamic stability) indicates that this missense variant is expected to disrupt CENPJ protein function with a positive predictive value of 80%. In summary, the available evidence is currently insufficient to determine the role of this variant in disease. Therefore, it has been classified as a Variant of Uncertain Significance.

Ambry Genetics
Classification: Uncertain significance for Inborn genetic diseases. Last evaluated: 2022-10-25. Review status: criteria provided, single submitter. Criteria: Ambry Variant Classification Scheme 2023. Collection method: clinical testing. Allele origin: germline.

Fulgent Genetics
Classification: Uncertain significance for Microcephaly 6, primary, autosomal recessive; Seckel syndrome 4. Last evaluated: 2021-12-16. Review status: criteria provided, single submitter. Criteria: ACMG Guidelines, 2015. Collection method: clinical testing. Allele origin: unknown.

Illumina Laboratory Services, Illumina
Classification: Uncertain significance for Microcephaly 6, primary, autosomal recessive. Last evaluated: 2018-01-13. Review status: criteria provided, single submitter. Criteria: ICSL Variant Classification Criteria 13 December 2019. Collection method: clinical testing. Allele origin: germline.

Illumina Laboratory Services, Illumina
Classification: Uncertain significance for Seckel syndrome 4. Last evaluated: 2018-01-13. Review status: criteria provided, single submitter. Criteria: ICSL Variant Classification Criteria 13 December 2019. Collection method: clinical testing. Allele origin: germline.

Center for Computational Biology & Bioinformatics, University of California, San Diego
Classification: Uncertain significance for Meniere disease. Last evaluated: 2024-06-03. Review status: no assertion criteria provided. Collection method: research. Allele origin: germline. Affected: yes. Not counted in ClinVar's aggregate classification.

NM_018451.5(CPAP):c.659C>T (p.Ser220Leu)

Gene: CPAP (centrosome assembly and centriole elongation protein; minus strand). Cytogenetic location: 13q12.13.
Variant type: single nucleotide variant.
Coding change: c.659C>T on transcript NM_018451.5 (MANE Select); coding-DNA position 659, C replaced by T.
Protein change: p.Ser220Leu; replaces serine 220 with leucine.
Molecular consequence: missense variant. On other transcripts: non-coding transcript variant (2).
Genome position (GRCh38, 1-based): chr13:24,909,996, G>A on the plus strand (C>T on the coding strand, the complement: CPAP is on the minus strand). VCF-style: chr13-24909996-G-A. GRCh37 (hg19) VCF-style: chr13-25484134-G-A.
Other names: c.659C>T (NM_018451.3); short protein forms S220L.
Identifiers: ClinVar variation 311628 (VCV000311628.17), dbSNP rs201219786, ClinGen allele CA6919945.